The following is an entry in ClinVar:

NM_015404.4(WHRN):c.1158C>G (p.Asn386Lys)

Gene: WHRN (whirlin; minus strand). Cytogenetic location: 9q32.
Variant type: single nucleotide variant.
Coding change: c.1158C>G on transcript NM_015404.4 (MANE Select); coding-DNA position 1158, C replaced by G.
Protein change: p.Asn386Lys; replaces asparagine 386 with lysine.
Molecular consequence: missense variant.
Genome position (GRCh38, 1-based): chr9:114,426,219, G>C on the plus strand (C>G on the coding strand, the complement: WHRN is on the minus strand). VCF-style: chr9-114426219-G-C. GRCh37 (hg19) VCF-style: chr9-117188499-G-C.
Other names: c.9C>G, p.Asn3Lys (NM_001083885.3); c.1158C>G, p.Asn386Lys (NM_001173425.2); short protein forms N386K, N3K.
Identifiers: ClinVar variation 45637 (VCV000045637.5), dbSNP rs397517253, ClinGen allele CA136848.

ClinVar aggregate classification (germline): Likely benign (1 of 4 stars; one submission).

Allele frequency attached by ClinVar (database versions not stated): gnomAD exomes below 0.00001.

Submission:

Laboratory for Molecular Medicine, Mass General Brigham Personalized Medicine
Classification: Likely benign. Last evaluated: 2011-10-17. Review status: criteria provided, single submitter. Criteria: LMM Criteria. Collection method: clinical testing. Allele origin: germline. Observed: 1 variant allele.
Comment: Asn386Lys in exon 4 of DFNB31: This variant is not expected to have clinical sig nificance because the Asn386 residue is not conserved across mammals and computa tional analyses (PolyPhen2, SIFT, AlignGVGD) do not suggest an impact to the pro tein.